The following is an entry in ClinVar:

NM_001130823.3(DNMT1):c.2767A>T (p.Ile923Phe)

Gene: DNMT1 (DNA methyltransferase 1; minus strand). Cytogenetic location: 19p13.2.
Variant type: single nucleotide variant.
Coding change: c.2767A>T on transcript NM_001130823.3 (MANE Select); coding-DNA position 2767, A replaced by T.
Protein change: p.Ile923Phe; replaces isoleucine 923 with phenylalanine.
Molecular consequence: missense variant.
Genome position (GRCh38, 1-based): chr19:10,146,478, T>A on the plus strand (A>T on the coding strand, the complement: DNMT1 is on the minus strand). VCF-style: chr19-10146478-T-A. GRCh37 (hg19) VCF-style: chr19-10257154-T-A.
Other names: c.2719A>T, p.Ile907Phe (NM_001318730.2, NM_001379.4); c.2404A>T, p.Ile802Phe (NM_001318731.2); short protein forms I802F, I907F, I923F.
Identifiers: ClinVar variation 1928953 (VCV001928953.5), dbSNP rs2513799089, ClinGen allele CA403976348.
Genomic context (GRCh38, chr19:10,146,478, plus strand): 5'-TGGCTGAGTAGTAGAGGACCCGGCTATCCAGGTCCTCGAGCTGCTCCAGGACCCTGGGGA[T>A]TTCTTTTTGCCTCATCTCAGCCAGACGGGCACAGCTCACACAGAATCTGAAGGAAACAAA-3'
Protein context (NP_001124295.1, residues 913-933): ARLAEMRQKE[Ile923Phe]PRVLEQLEDL

ClinVar aggregate classification (germline): Uncertain significance (1 of 4 stars; one submission).

Conditions:
Hereditary sensory neuropathy-deafness-dementia syndrome. Also called: HSN IE; Hereditary sensory neuropathy type IE; NEUROPATHY, HEREDITARY SENSORY, WITH HEARING LOSS AND DEMENTIA; Hereditary Sensory and Autonomic Neuropathy Type 1E (HSAN1E). Identifiers: Orphanet 456318, MedGen C3279885, MONDO:0013584, OMIM 614116.

Allele frequency attached by ClinVar (database versions not stated): gnomAD exomes below 0.00001.
gnomAD v4.1: 3 of 1,614,092 alleles (0.00019%); highest among the groups gnomAD compares: Non-Finnish European, 0.00025%; no homozygotes.

Submission:

Labcorp Genetics (formerly Invitae), Labcorp
Classification: Uncertain significance for Hereditary sensory neuropathy-deafness-dementia syndrome. Last evaluated: 2023-03-19. Review status: criteria provided, single submitter. Criteria: Invitae Variant Classification Sherloc (09022015). Collection method: clinical testing. Allele origin: germline.
Comment: In summary, the available evidence is currently insufficient to determine the role of this variant in disease. Therefore, it has been classified as a Variant of Uncertain Significance. This sequence change replaces isoleucine, which is neutral and non-polar, with phenylalanine, which is neutral and non-polar, at codon 923 of the DNMT1 protein (p.Ile923Phe). This variant is not present in population databases (gnomAD no frequency). This variant has not been reported in the literature in individuals affected with DNMT1-related conditions. ClinVar contains an entry for this variant (Variation ID: 1928953). Advanced modeling of protein sequence and biophysical properties (such as structural, functional, and spatial information, amino acid conservation, physicochemical variation, residue mobility, and thermodynamic stability) performed at Invitae indicates that this missense variant is not expected to disrupt DNMT1 protein function.